The following is an entry in ClinVar:

ClinVar aggregate classification (germline): Uncertain significance. Review status: criteria provided, single submitter (1 of 4 stars). 2 submissions from 2 submitters: Uncertain significance (1). 1 of the submissions does not count toward it. Last evaluated 2026-04-20.

Conditions:
Multiple sulfatase deficiency (MSD). Also called: Mucosulfatidosis; Multiple Sulfatase Deficiency Disease; Sulfatidosis, Juvenile, Austin Type. Identifiers: Orphanet 585, MedGen C0268263, MONDO:0010088, OMIM 272200.

gnomAD v4.1: 1 of 1,614,168 alleles (0.000062%); highest among the groups gnomAD compares: Non-Finnish European, 0.000085%; no homozygotes.

Submissions (2):

GeneDx
Classification: Uncertain significance. Last evaluated: 2026-04-20. Review status: criteria provided, single submitter. Criteria: GeneDx Variant Classification Process June 2021. Collection method: clinical testing. Allele origin: germline.
Comment: Not observed at significant frequency in large population cohorts (gnomAD); In silico analysis suggests that this missense variant does not alter protein structure/function; Has not been previously published as pathogenic or benign to our knowledge

Natera, Inc.
Classification: Uncertain significance for Multiple sulfatase deficiency. Last evaluated: 2025-01-30. Review status: no assertion criteria provided. Collection method: clinical testing. Allele origin: germline. Not counted in ClinVar's aggregate classification.

NM_182760.4(SUMF1):c.1097C>T (p.Ala366Val)

Gene: SUMF1 (sulfatase modifying factor 1; minus strand). Cytogenetic location: 3p26.1.
Variant type: single nucleotide variant.
Coding change: c.1097C>T on transcript NM_182760.4 (MANE Select); coding-DNA position 1097, C replaced by T.
Protein change: p.Ala366Val; replaces alanine 366 with valine.
Molecular consequence: missense variant.
Genome position (GRCh38, 1-based): chr3:4,362,172, G>A on the plus strand (C>T on the coding strand, the complement: SUMF1 is on the minus strand). VCF-style: chr3-4362172-G-A. GRCh37 (hg19) VCF-style: chr3-4403856-G-A.
Other names: c.1022C>T, p.Ala341Val (NM_001164674.2); c.1037C>T, p.Ala346Val (NM_001164675.2); short protein forms A341V, A346V, A366V.
Identifiers: ClinVar variation 4062034 (VCV004062034.2).
Genomic context (GRCh38, chr3:4,362,172, plus strand): 5'-CTCCTTGGACTGGGGAAGACTTTCCTTGGTTGTCAGTCCATAGTGGGCAGGCGGTCGGCT[G>A]CACAGCGGAATCCCAGATTCGAAGCAGAGCTATCAGGTGTGTTCTGGCTCCGAGCAGCAC-3'
Protein context (NP_877437.2, residues 356-374): SSASNLGFRC[Ala366Val]ADRLPTMD